The following is an entry in ClinVar:

NM_000388.4(CASR):c.590T>C (p.Met197Thr)

Gene: CASR (calcium sensing receptor; plus strand). Cytogenetic location: 3q21.1.
Variant type: single nucleotide variant.
Coding change: c.590T>C on transcript NM_000388.4 (MANE Select); coding-DNA position 590, T replaced by C.
Protein change: p.Met197Thr; replaces methionine 197 with threonine.
Molecular consequence: missense variant.
Genome position (GRCh38, 1-based): chr3:122,261,625, T>C. VCF-style: chr3-122261625-T-C. GRCh37 (hg19) VCF-style: chr3-121980472-T-C.
Other names: c.590T>C, p.Met197Thr (NM_001178065.2); short protein forms M197T.
Identifiers: ClinVar variation 1750448 (VCV001750448.2), dbSNP rs774235352, ClinGen allele CA82738267.

ClinVar aggregate classification (germline): Uncertain significance (1 of 4 stars; one submission).

Conditions:
Nephrolithiasis/nephrocalcinosis. Identifiers: MedGen CN580796.

Allele frequency attached by ClinVar (database versions not stated): gnomAD exomes below 0.00001.

Submission:

Ambry Genetics
Classification: Uncertain significance for Nephrolithiasis/nephrocalcinosis. Last evaluated: 2021-11-01. Review status: criteria provided, single submitter. Criteria: Ambry Variant Classification Scheme 2023. Collection method: clinical testing. Allele origin: germline.
Comment: The p.M197T variant (also known as c.590T>C), located in coding exon 3 of the CASR gene, results from a T to C substitution at nucleotide position 590. The methionine at codon 197 is replaced by threonine, an amino acid with similar properties. This amino acid position is highly conserved in available vertebrate species. In addition, this alteration is predicted to be deleterious by in silico analysis. Since supporting evidence is limited at this time, the clinical significance of this alteration remains unclear.